The following is an entry in ClinVar:

NM_030821.5(PLA2G12A):c.536G>C (p.Cys179Ser)

Gene: PLA2G12A (phospholipase A2 group XIIA; minus strand). Cytogenetic location: 4q25.
Variant type: single nucleotide variant.
Coding change: c.536G>C on transcript NM_030821.5 (MANE Select); coding-DNA position 536, G replaced by C.
Protein change: p.Cys179Ser; replaces cysteine 179 with serine.
Molecular consequence: missense variant.
Genome position (GRCh38, 1-based): chr4:109,714,411, C>G on the plus strand (G>C on the coding strand, the complement: PLA2G12A is on the minus strand). VCF-style: chr4-109714411-C-G. GRCh37 (hg19) VCF-style: chr4-110635567-C-G.
Other names: short protein forms C179S.
Identifiers: ClinVar variation 4879304 (VCV004879304.1).

ClinVar aggregate classification (germline): Uncertain significance (1 of 4 stars; one submission).

Submission:

Clinical Genomics Laboratory, Washington University in St. Louis
Classification: Uncertain significance. Last evaluated: 2025-10-28. Review status: criteria provided, single submitter. Criteria: ACMG Guidelines, 2015. Collection method: clinical testing. Allele origin: germline.
Comment: The PLA2G12A c.536G>C ( p.Cys179Ser) variant, to our knowledge, has not been reported in the medical literature. This variant is only observed in 1/251,406 alleles in the general population (gnomAD v.2.1.1), indicating it is not a common variant. Computational predictors indicate that the variant is damaging, evidence that correlates with impact to PLA2G12A function. Due to limited information, the clinical significance of this variant is uncertain.